The following is an entry in ClinVar:

NM_138694.4(PKHD1):c.11786-1G>C

Gene: PKHD1 (PKHD1 ciliary IPT domain containing fibrocystin/polyductin; minus strand). Cytogenetic location: 6p12.3.
Variant type: single nucleotide variant.
Coding change: c.11786-1G>C on transcript NM_138694.4 (MANE Select); the canonical splice acceptor site of the intron before coding-DNA position 11786, G replaced by C.
Molecular consequence: splice acceptor variant.
Genome position (GRCh38, 1-based): chr6:51,619,521, C>G on the plus strand (G>C on the coding strand, the complement: PKHD1 is on the minus strand). VCF-style: chr6-51619521-C-G. GRCh37 (hg19) VCF-style: chr6-51484319-C-G.
Identifiers: ClinVar variation 4816559 (VCV004816559.1).

ClinVar aggregate classification (germline): Likely pathogenic (1 of 4 stars; one submission).

Conditions:
Autosomal recessive polycystic kidney disease (ARPKD). Also called: AR polycystic kidney disease. Identifiers: Orphanet 731, Orphanet 8378, MedGen C0085548, MeSH D017044, MONDO:0009889.

Submission:

Natera, Inc.
Classification: Likely pathogenic for Autosomal recessive polycystic kidney disease. Last evaluated: 2025-05-16. Review status: criteria provided, single submitter. Criteria: Natera Variant Classification Schema (03/2026). Collection method: clinical testing. Allele origin: germline.
Comment: The c.11786-1G>C variant in PKHD1 is a canonical splice acceptor site variant predicted to affect pre-mRNA splicing, which may result in an abnormal transcript and altered protein product. This variant is expected to result in nonsense mediated decay, truncation, or a dysfunctional protein product. This variant is rare in the general population with a frequency below the threshold expected for the associated phenotype(s). Given the available evidence, this variant is classified as Likely Pathogenic.